The following is an entry in ClinVar:

ClinVar aggregate classification (germline): Pathogenic (1 of 4 stars; one submission).

Conditions:
Hereditary cancer-predisposing syndrome. Also called: Neoplastic Syndromes, Hereditary; Tumor predisposition; Hereditary Cancer Syndrome; Hereditary neoplastic syndrome. Identifiers: Orphanet 140162, MedGen C0027672, MeSH D009386, MONDO:0015356.

Submission:

Color Diagnostics, LLC DBA Color Health
Classification: Pathogenic for Hereditary cancer-predisposing syndrome. Last evaluated: 2020-01-15. Review status: criteria provided, single submitter. Criteria: ACMG Guidelines, 2015. Collection method: clinical testing. Allele origin: germline.
Comment: This variant changes 1 nucleotide in exon 11 of the BRCA2 gene, creating a premature translation stop signal. This variant is expected to result in an absent or non-functional protein product. This variant has not been identified in the general population by the Genome Aggregation Database (gnomAD). Loss of BRCA2 function is a known mechanism of disease. Based on the available evidence, this variant is classified as Pathogenic.

NM_000059.4(BRCA2):c.2786T>G (p.Leu929Ter)

Gene: BRCA2 (BRCA2 DNA repair associated; plus strand). Cytogenetic location: 13q13.1.
Variant type: single nucleotide variant.
Coding change: c.2786T>G on transcript NM_000059.4 (MANE Select); coding-DNA position 2786, T replaced by G.
Protein change: p.Leu929Ter; replaces leucine 929 with a stop codon.
Molecular consequence: nonsense.
Genome position (GRCh38, 1-based): chr13:32,337,141, T>G. VCF-style: chr13-32337141-T-G. GRCh37 (hg19) VCF-style: chr13-32911278-T-G.
Other names: short protein forms L929*.
Identifiers: ClinVar variation 919126 (VCV000919126.5), dbSNP rs2227943, ClinGen allele CA387773716.
Genomic context (GRCh38, chr13:32,337,141, plus strand): 5'-TTCATGAAACAGACTTGACTTGTGTAAACGAACCCATTTTCAAGAACTCTACCATGGTTT[T>G]ATATGGAGACACAGGTGATAAACAAGCAACCCAAGTGTCAATTAAAAAAGATTTGGTTTA-3'